The following is an entry in ClinVar:

ClinVar aggregate classification (germline): Uncertain significance. Review status: criteria provided, multiple submitters, no conflicts (2 of 4 stars). 4 submissions from 4 submitters: Uncertain significance (2). 2 of the submissions do not count toward it. Last evaluated 2025-08-14.

Conditions:
Pigmentary pallidal degeneration (NBIA1). Also called: Neurodegeneration with brain iron accumulation 1; PKAN NEUROAXONAL DYSTROPHY, JUVENILE-ONSET; Pantothenate Kinase-Associated Neurodegeneration; Neuroaxonal dystrophy, late infantile; Hallervorden-Spatz disease; HARP SYNDROME. Identifiers: Orphanet 157850, MedGen C0018523, MONDO:0009319, OMIM 234200.
Inborn genetic diseases. Identifiers: MedGen C0950123, MeSH D030342.

Allele frequency attached by ClinVar (database versions not stated): 1000 Genomes Project 0.00020; 1000 Genomes Project 30x 0.00016.
gnomAD v4.1: 30 of 1,575,706 alleles (0.0019%); highest among the groups gnomAD compares: Admixed American, 0.0056%; no homozygotes.

Submissions (4):

Ambry Genetics
Classification: Uncertain significance for Inborn genetic diseases. Last evaluated: 2025-08-14. Review status: criteria provided, single submitter. Criteria: Ambry Variant Classification Scheme 2023. Collection method: clinical testing. Allele origin: germline.

Labcorp Genetics (formerly Invitae), Labcorp
Classification: Uncertain significance for Pigmentary pallidal degeneration. Last evaluated: 2021-08-31. Review status: criteria provided, single submitter. Criteria: Invitae Variant Classification Sherloc (09022015). Collection method: clinical testing. Allele origin: germline.
Comment: This sequence change replaces leucine with phenylalanine at codon 95 of the PANK2 protein (p.Leu95Phe). The leucine residue is weakly conserved and there is a small physicochemical difference between leucine and phenylalanine. This variant is present in population databases (rs558404718, ExAC 0.02%). This variant has not been reported in the literature in individuals affected with PANK2-related conditions. Algorithms developed to predict the effect of missense changes on protein structure and function output the following: SIFT: "Tolerated"; PolyPhen-2: "Benign"; Align-GVGD: "Class C0". The phenylalanine amino acid residue is found in multiple mammalian species, which suggests that this missense change does not adversely affect protein function. In summary, the available evidence is currently insufficient to determine the role of this variant in disease. Therefore, it has been classified as a Variant of Uncertain Significance.

Clinical Genetics DNA and cytogenetics Diagnostics Lab, Erasmus MC, Erasmus Medical Center
Classification: Likely benign. Review status: no assertion criteria provided. Collection method: clinical testing. Allele origin: germline. Affected: yes. Study: VKGL Data-share Consensus. Not counted in ClinVar's aggregate classification.

Laboratory of Diagnostic Genome Analysis, Leiden University Medical Center (LUMC)
Classification: Likely benign. Review status: no assertion criteria provided. Collection method: clinical testing. Allele origin: germline. Affected: yes. Study: VKGL Data-share Consensus. Not counted in ClinVar's aggregate classification.

NM_153638.4(PANK2):c.283C>T (p.Leu95Phe)

Genes: PANK2 (pantothenate kinase 2; plus strand), LOC130065345 (ATAC-STARR-seq lymphoblastoid silent region 12635; plus strand). Cytogenetic location: 20p13.
Variant type: single nucleotide variant.
Coding change: c.283C>T on transcript NM_153638.4; coding-DNA position 283, C replaced by T.
Protein change: p.Leu95Phe; replaces leucine 95 with phenylalanine.
Molecular consequence: missense variant. On other transcripts: intron variant (1).
Genome position (GRCh38, 1-based): chr20:3,889,383, C>T. VCF-style: chr20-3889383-C-T. GRCh37 (hg19) VCF-style: chr20-3870030-C-T.
Other names: c.283C>T, p.Leu95Phe (NM_001324192.1); c.-246+479C>T (NM_024960.6); short protein forms L95F.
Identifiers: ClinVar variation 1017648 (VCV001017648.10), dbSNP rs558404718, ClinGen allele CA9750526.